The following is an entry in ClinVar:

ClinVar aggregate classification (germline): Uncertain significance. Review status: criteria provided, multiple submitters, no conflicts (2 of 4 stars). 3 submissions from 3 submitters: Uncertain significance (3). Last evaluated 2025-12-24.

Conditions:
Cardiovascular phenotype. Identifiers: MedGen CN230736.
Osteogenesis imperfecta type I (OI1). Also called: OI, TYPE I; OSTEOGENESIS IMPERFECTA TARDA; OSTEOGENESIS IMPERFECTA WITH BLUE SCLERAE; Lobstein disease; Classic Non-deforming Osteogenesis Imperfecta with Blue Sclerae; Osteogenesis imperfecta type 1. Identifiers: Orphanet 216796, Orphanet 666, MedGen C0023931, MONDO:0008146, OMIM 166200. Disease mechanism: loss of function.

Allele frequency attached by ClinVar (database versions not stated): gnomAD exomes below 0.00001; ExAC 0.00001; gnomAD 0.00001; TOPMed 0.00003.
gnomAD v4.1: 5 of 1,613,292 alleles (0.00031%); highest among the groups gnomAD compares: Admixed American, 0.005%; no homozygotes.

Submissions (3):

Ambry Genetics
Classification: Uncertain significance for Cardiovascular phenotype. Last evaluated: 2025-12-24. Review status: criteria provided, single submitter. Criteria: Ambry Variant Classification Scheme 2023. Collection method: clinical testing. Allele origin: germline.

Labcorp Genetics (formerly Invitae), Labcorp
Classification: Uncertain significance for Osteogenesis imperfecta type I. Last evaluated: 2025-03-06. Review status: criteria provided, single submitter. Criteria: Invitae Variant Classification Sherloc (09022015). Collection method: clinical testing. Allele origin: germline.
Comment: This sequence change replaces valine, which is neutral and non-polar, with alanine, which is neutral and non-polar, at codon 1458 of the COL1A1 protein (p.Val1458Ala). This variant is present in population databases (rs775026377, gnomAD no frequency). This variant has not been reported in the literature in individuals affected with COL1A1-related conditions. ClinVar contains an entry for this variant (Variation ID: 1043452). Invitae Evidence Modeling of protein sequence and biophysical properties (such as structural, functional, and spatial information, amino acid conservation, physicochemical variation, residue mobility, and thermodynamic stability) has been performed for this missense variant. However, the output from this modeling did not meet the statistical confidence thresholds required to predict the impact of this variant on COL1A1 protein function. In summary, the available evidence is currently insufficient to determine the role of this variant in disease. Therefore, it has been classified as a Variant of Uncertain Significance.

GeneDx
Classification: Uncertain significance. Last evaluated: 2025-03-04. Review status: criteria provided, single submitter. Criteria: GeneDx Variant Classification Process June 2021. Collection method: clinical testing. Allele origin: germline. Affected: yes.
Comment: Not observed at significant frequency in large population cohorts (gnomAD); In silico analysis supports that this missense variant has a deleterious effect on protein structure/function; Has not been previously published as pathogenic or benign to our knowledge

NM_000088.4(COL1A1):c.4373T>C (p.Val1458Ala)

Gene: COL1A1 (collagen type I alpha 1 chain; minus strand). Cytogenetic location: 17q21.33.
Variant type: single nucleotide variant.
Coding change: c.4373T>C on transcript NM_000088.4 (MANE Select); coding-DNA position 4373, T replaced by C.
Protein change: p.Val1458Ala; replaces valine 1458 with alanine.
Molecular consequence: missense variant.
Genome position (GRCh38, 1-based): chr17:50,185,524, A>G on the plus strand (T>C on the coding strand, the complement: COL1A1 is on the minus strand). VCF-style: chr17-50185524-A-G. GRCh37 (hg19) VCF-style: chr17-48262885-A-G.
Other names: c.4373T>C (NM_000088.3); short protein forms V1458A.
Identifiers: ClinVar variation 1043452 (VCV001043452.12), dbSNP rs775026377, ClinGen allele CA8644168.